The following is an entry in ClinVar:

NM_012120.3(CD2AP):c.560C>T (p.Pro187Leu)

Gene: CD2AP (CD2 associated protein; plus strand). Cytogenetic location: 6p12.3.
Variant type: single nucleotide variant.
Coding change: c.560C>T on transcript NM_012120.3 (MANE Select); coding-DNA position 560, C replaced by T.
Protein change: p.Pro187Leu; replaces proline 187 with leucine.
Molecular consequence: missense variant.
Genome position (GRCh38, 1-based): chr6:47,574,082, C>T. VCF-style: chr6-47574082-C-T. GRCh37 (hg19) VCF-style: chr6-47541818-C-T.
Other names: short protein forms P187L.
Identifiers: ClinVar variation 219344 (VCV000219344.10), dbSNP rs864622037, ClinGen allele CA348348.

ClinVar aggregate classification (germline): Uncertain significance. Review status: criteria provided, single submitter (1 of 4 stars). 2 submissions from 2 submitters: Uncertain significance (1). 1 of the submissions does not count toward it. Last evaluated 2021-03-12.

Conditions:
Prostate cancer. Also called: Malignant tumor of prostate. Identifiers: Orphanet 1331, MedGen C0376358, MONDO:0008315, HP:0012125.

Allele frequency attached by ClinVar (database versions not stated): gnomAD exomes below 0.00001; TOPMed below 0.00001.
gnomAD v4.1: 4 of 1,613,980 alleles (0.00025%); highest among the groups gnomAD compares: Non-Finnish European, 0.00034%; no homozygotes.

Submissions (2):

Labcorp Genetics (formerly Invitae), Labcorp
Classification: Uncertain significance. Last evaluated: 2021-03-12. Review status: criteria provided, single submitter. Criteria: Invitae Variant Classification Sherloc (09022015). Collection method: clinical testing. Allele origin: germline.
Comment: In summary, the available evidence is currently insufficient to determine the role of this variant in disease. Therefore, it has been classified as a Variant of Uncertain Significance. Algorithms developed to predict the effect of missense changes on protein structure and function output the following: SIFT: "Tolerated"; PolyPhen-2: "Benign"; Align-GVGD: "Class C0". The leucine amino acid residue is found in multiple mammalian species, suggesting that this missense change does not adversely affect protein function. These predictions have not been confirmed by published functional studies and their clinical significance is uncertain. This variant has not been reported in the literature in individuals with CD2AP-related conditions. ClinVar contains an entry for this variant (Variation ID: 219344). This variant is not present in population databases (ExAC no frequency). This sequence change replaces proline with leucine at codon 187 of the CD2AP protein (p.Pro187Leu). The proline residue is moderately conserved and there is a moderate physicochemical difference between proline and leucine.

Prostate Cancer Research Center, Institute of Biosciences and Medical Technology, University of Tampere
Classification: Uncertain significance for Prostate cancer. Review status: no assertion criteria provided. Collection method: research. Allele origin: somatic. Affected: yes. Observed: 1 variant allele. Not counted in ClinVar's aggregate classification.